The following is an entry in ClinVar:

ClinVar aggregate classification (germline): Uncertain significance (1 of 4 stars; one submission).

Conditions:
Hereditary cancer-predisposing syndrome. Also called: Neoplastic Syndromes, Hereditary; Tumor predisposition; Hereditary Cancer Syndrome; Hereditary neoplastic syndrome. Identifiers: Orphanet 140162, MedGen C0027672, MeSH D009386, MONDO:0015356.

Submission:

Ambry Genetics
Classification: Uncertain significance for Hereditary cancer-predisposing syndrome. Last evaluated: 2021-09-21. Review status: criteria provided, single submitter. Criteria: Ambry Variant Classification Scheme 2023. Collection method: clinical testing. Allele origin: germline.
Comment: The p.E130Q variant (also known as c.388G>C), located in coding exon 4 of the BRIP1 gene, results from a G to C substitution at nucleotide position 388. The glutamic acid at codon 130 is replaced by glutamine, an amino acid with highly similar properties. This amino acid position is conserved. In addition, this alteration is predicted to be tolerated by in silico analysis. Since supporting evidence is limited at this time, the clinical significance of this alteration remains unclear.

NM_032043.3(BRIP1):c.388G>C (p.Glu130Gln)

Gene: BRIP1 (BRCA1 interacting DNA helicase 1; minus strand). Cytogenetic location: 17q23.2.
Variant type: single nucleotide variant.
Coding change: c.388G>C on transcript NM_032043.3 (MANE Select); coding-DNA position 388, G replaced by C.
Protein change: p.Glu130Gln; replaces glutamic acid 130 with glutamine.
Molecular consequence: missense variant.
Genome position (GRCh38, 1-based): chr17:61,849,248, C>G on the plus strand (G>C on the coding strand, the complement: BRIP1 is on the minus strand). VCF-style: chr17-61849248-C-G. GRCh37 (hg19) VCF-style: chr17-59926609-C-G.
Other names: short protein forms E130Q.
Identifiers: ClinVar variation 1735890 (VCV001735890.2), dbSNP rs876658860, ClinGen allele CA400484602.